The following is an entry in ClinVar:

ClinVar aggregate classification (germline): Uncertain significance (1 of 4 stars; one submission).

Conditions:
Hereditary breast ovarian cancer syndrome. Also called: Hereditary breast and ovarian cancer; BRCA1- and BRCA2-Associated Hereditary Breast and Ovarian Cancer; Hereditary breast and ovarian cancer syndrome; Breast and ovarian cancer; Hereditary breast and ovarian cancer syndrome (HBOC); Hereditary breast and/or ovarian cancer syndrome. Identifiers: Orphanet 145, MedGen C0677776, MeSH D061325, MONDO:0003582. Disease mechanism: loss of function.

Submission:

Labcorp Genetics (formerly Invitae), Labcorp
Classification: Uncertain significance for Hereditary breast ovarian cancer syndrome. Last evaluated: 2022-11-29. Review status: criteria provided, single submitter. Criteria: Invitae Variant Classification Sherloc (09022015). Collection method: clinical testing. Allele origin: germline.
Comment: In summary, the available evidence is currently insufficient to determine the role of this variant in disease. Therefore, it has been classified as a Variant of Uncertain Significance. Advanced modeling of protein sequence and biophysical properties (such as structural, functional, and spatial information, amino acid conservation, physicochemical variation, residue mobility, and thermodynamic stability) performed at Invitae indicates that this missense variant is not expected to disrupt BRCA2 protein function. This variant has not been reported in the literature in individuals affected with BRCA2-related conditions. This variant is not present in population databases (gnomAD no frequency). This sequence change replaces alanine, which is neutral and non-polar, with glycine, which is neutral and non-polar, at codon 3205 of the BRCA2 protein (p.Ala3205Gly).

NM_000059.4(BRCA2):c.9614C>G (p.Ala3205Gly)

Gene: BRCA2 (BRCA2 DNA repair associated; plus strand). Cytogenetic location: 13q13.1.
Variant type: single nucleotide variant.
Coding change: c.9614C>G on transcript NM_000059.4 (MANE Select); coding-DNA position 9614, C replaced by G.
Protein change: p.Ala3205Gly; replaces alanine 3205 with glycine.
Molecular consequence: missense variant. On other transcripts: non-coding transcript variant (1).
Genome position (GRCh38, 1-based): chr13:32,397,010, C>G. VCF-style: chr13-32397010-C-G. GRCh37 (hg19) VCF-style: chr13-32971147-C-G.
Other names: c.9518C>G, p.Ala3173Gly (NM_001406719.1); c.9563C>G, p.Ala3188Gly (NM_001406720.1); c.4682C>G, p.Ala1561Gly (NM_001406721.1); c.3197C>G, p.Ala1066Gly (NM_001406722.1); short protein forms A1066G, A3173G, A3205G, A1561G, A3188G.
Identifiers: ClinVar variation 2817225 (VCV002817225.3), dbSNP rs546682485, ClinGen allele CA387763658.